The following is an entry in ClinVar:

NM_199420.4(POLQ):c.3581A>T (p.Gln1194Leu)

Gene: POLQ (DNA polymerase theta; minus strand). Cytogenetic location: 3q13.33.
Variant type: single nucleotide variant.
Coding change: c.3581A>T on transcript NM_199420.4 (MANE Select); coding-DNA position 3581, A replaced by T.
Protein change: p.Gln1194Leu; replaces glutamine 1194 with leucine.
Molecular consequence: missense variant.
Genome position (GRCh38, 1-based): chr3:121,489,350, T>A on the plus strand (A>T on the coding strand, the complement: POLQ is on the minus strand). VCF-style: chr3-121489350-T-A. GRCh37 (hg19) VCF-style: chr3-121208197-T-A.
Other names: short protein forms Q1194L.
Identifiers: ClinVar variation 3422461 (VCV003422461.1).

ClinVar aggregate classification (germline): Uncertain significance (1 of 4 stars; one submission).

Submission:

Ambry Genetics
Classification: Uncertain significance. Last evaluated: 2024-07-18. Review status: criteria provided, single submitter. Criteria: Ambry Variant Classification Scheme 2023. Collection method: clinical testing. Allele origin: germline.
Comment: The p.Q1194L variant (also known as c.3581A>T), located in coding exon 16 of the POLQ gene, results from an A to T substitution at nucleotide position 3581. The glutamine at codon 1194 is replaced by leucine, an amino acid with dissimilar properties. This amino acid position is conserved. In addition, this alteration is predicted to be tolerated by in silico analysis. Based on the available evidence, the clinical significance of this variant remains unclear.